The following is an entry in ClinVar:

NM_002485.5(NBN):c.2235-1G>C

Gene: NBN (nibrin; minus strand). Cytogenetic location: 8q21.3.
Variant type: single nucleotide variant.
Coding change: c.2235-1G>C on transcript NM_002485.5 (MANE Select); the canonical splice acceptor site of the intron before coding-DNA position 2235, G replaced by C.
Molecular consequence: splice acceptor variant.
Genome position (GRCh38, 1-based): chr8:89,935,613, C>G on the plus strand (G>C on the coding strand, the complement: NBN is on the minus strand). VCF-style: chr8-89935613-C-G. GRCh37 (hg19) VCF-style: chr8-90947841-C-G.
Other names: c.1989-1G>C (NM_001024688.3).
Identifiers: ClinVar variation 3239827 (VCV003239827.2), dbSNP rs2488163550.

ClinVar aggregate classification (germline): Conflicting classifications of pathogenicity. Review status: criteria provided, conflicting classifications (1 of 4 stars). 2 submissions from 2 submitters: Likely pathogenic (1); Uncertain significance (1). Last evaluated 2025-08-29.

Conditions:
Microcephaly, normal intelligence and immunodeficiency (NBS). Also called: BERLIN BREAKAGE SYNDROME; Nijmegen breakage syndrome; Microcephaly with normal intelligence immunodeficiency and lymphoreticular malignancies; Nonsyndromal microcephaly autosomal recessive with normal intelligence; Seemanova syndrome 2; SEEMANOVA SYNDROME II. Identifiers: Orphanet 647, MedGen C0398791, MONDO:0009623, OMIM 251260.
Aplastic anemia. Identifiers: Orphanet 182040, Orphanet 88, MedGen C0002874, MONDO:0015909, OMIM 609135, HP:0001915.

Submissions (2):

Labcorp Genetics (formerly Invitae), Labcorp
Classification: Uncertain significance for Microcephaly, normal intelligence and immunodeficiency. Last evaluated: 2025-08-29. Review status: criteria provided, single submitter. Criteria: Invitae Variant Classification Sherloc (09022015). Collection method: clinical testing. Allele origin: germline.
Comment: This sequence change affects an acceptor splice site in intron 15 of the NBN gene. While this variant is not anticipated to result in nonsense mediated decay, it likely alters RNA splicing and results in a disrupted protein product. This variant is not present in population databases (gnomAD no frequency). This variant has not been reported in the literature in individuals affected with NBN-related conditions. ClinVar contains an entry for this variant (Variation ID: 3239827). Variants that disrupt the consensus splice site are a relatively common cause of aberrant splicing (PMID: 17576681, 9536098). Algorithms developed to predict the effect of sequence changes on RNA splicing suggest that this variant may disrupt the consensus splice site. In summary, the available evidence is currently insufficient to determine the role of this variant in disease. Therefore, it has been classified as a Variant of Uncertain Significance.

Baylor Genetics
Classification: Likely pathogenic for Aplastic anemia. Last evaluated: 2024-03-27. Review status: criteria provided, single submitter. Criteria: ACMG Guidelines, 2015. Collection method: clinical testing. Allele origin: unknown.

Literature cited by the submitters: PubMed 17576681 (cited by Labcorp Genetics (formerly Invitae), Labcorp); PubMed 9536098 (cited by Labcorp Genetics (formerly Invitae), Labcorp).